The following continues an entry in ClinVar:

NM_000465.4(BARD1):c.668A>G (p.Glu223Gly)

Gene: BARD1. ClinVar aggregate classification (germline): Conflicting classifications of pathogenicity. Uncertain significance (13); Likely benign (7).

Submissions 10 to 22 of 22:

ARUP Laboratories, Molecular Genetics and Genomics, ARUP Laboratories
Classification: Uncertain significance for Familial cancer of breast. Last evaluated: 2024-04-20. Review status: criteria provided, single submitter. Criteria: ARUP Molecular Germline Variant Investigation Process 2024. Collection method: clinical testing. Allele origin: germline.
Comment: The BARD1 c.668A>G; p.Glu223Gly variant (rs145009419; ClinVar Variation ID: 127743) is reported in the literature in individuals affected with breast cancer (Bhai 2021, Caminsky 2016, Lerner-Ellis 2021, Tung 2016), endometrial cancer (Ring 2016), bone and urological tumors (Jahn 2022) and an individual suspected of Lynch syndrome (Yurgelun 2015). This variant is found in the non-Finnish European population with an allele frequency of 0.03% (41/122772 alleles) in the Genome Aggregation Database (v2.1.1). Functional analyses of the variant protein show homology directed repair activity comparable to the wildtype protein (Adamovich 2019). Computational analyses predict that this variant is neutral (REVEL: 0.085). However, based on the available information, the clinical significance of this variant is uncertain at this time. References: Adamovich AI et al. Functional analysis of BARD1 missense variants in homology-directed repair and damage sensitivity. PLoS Genet. 2019 Mar 29;15(3):e1008049. PMID: 30925164. Bhai P et al. Analysis of Sequence and Copy Number Variants in Canadian Patient Cohort With Familial Cancer Syndromes Using a Unique Next Generation Sequencing Based Approach. Front Genet. 2021 Jul 13;12:698595. PMID: 34326862. Caminsky NG et al. Prioritizing Variants in Complete Hereditary Breast and Ovarian Cancer Genes in Patients Lacking Known BRCA Mutations. Hum Mutat. 2016 Jul;37(7):640-52. PMID: 26898890. Jahn A et al. Comprehensive cancer predisposition testing within the prospective MASTER trial identifies hereditary cancer patients and supports treatment decisions for rare cancers. Ann Oncol. 2022 Nov;33(11):1186-1199. PMID: 35988656. Lerner-Ellis J et al. Multigene panel testing for hereditary breast and ovarian cancer in the province of Ontario. J Cancer Res Clin Oncol. 2021 Mar;147(3):871-879. PMID: 32885271. Ring KL et al. Germline multi-gene hereditary cancer panel testing in an unselected endometrial cancer cohort. Mod Pathol. 2016 Nov;29(11):1381-1389. PMID: 27443514. Tung N et al. Frequency of Germline Mutations in 25 Cancer Susceptibility Genes in a Sequential Series of Patients With Breast Cancer. J Clin Oncol. 2016 May 1;34(13):1460-8. PMID: 26976419. Yurgelun MB et al. Identification of a Variety of Mutations in Cancer Predisposition Genes in Patients With Suspected Lynch Syndrome. Gastroenterology. 2015 Sep;149(3):604-13.e20. PMID: 25980754.

CHEO Genetics Diagnostic Laboratory, Children's Hospital of Eastern Ontario
Classification: Uncertain significance for Breast and/or ovarian cancer. Last evaluated: 2023-04-14. Review status: criteria provided, single submitter. Criteria: ACMG Guidelines, 2015. Collection method: clinical testing. Allele origin: germline.

Myriad Genetics, Inc.
Classification: Likely benign for Familial cancer of breast. Last evaluated: 2023-02-24. Review status: criteria provided, single submitter. Criteria: Myriad Autosomal Dominant, Autosomal Recessive and X-Linked Classification Criteria (2023). Collection method: clinical testing. Allele origin: unknown.
Comment: This variant is considered likely benign. This variant is strongly associated with less severe personal and family histories of cancer, typical for individuals without pathogenic variants in this gene [PMID: 25085752].

MGZ Medical Genetics Center
Classification: Uncertain significance for Familial cancer of breast. Last evaluated: 2022-03-22. Review status: criteria provided, single submitter. Criteria: ACMG Guidelines, 2015. Collection method: clinical testing. Allele origin: germline. Affected: yes. Observed: 1 variant allele.
Comment: ACMG criteria applied: PM2_SUP, BS3_SUP

GeneDx
Classification: Uncertain significance. Last evaluated: 2022-01-28. Review status: criteria provided, single submitter. Criteria: GeneDx Variant Classification Process June 2021. Collection method: clinical testing. Allele origin: germline. Affected: yes.
Comment: In silico analysis supports that this missense variant does not alter protein structure/function; Published functional studies demonstrate homology-directed repair activity similar to wild-type (Adamovich 2019); This variant is associated with the following publications: (PMID: 23056176, 27742771, 25980754, 26976419, 26898890, 27443514, 28873162, 25186627, 30925164, 27535533)

Genetic Services Laboratory, University of Chicago
Classification: Uncertain significance. Last evaluated: 2021-08-30. Review status: criteria provided, single submitter. Criteria: ACMG Guidelines, 2015. Collection method: clinical testing. Allele origin: germline. Affected: no.
Comment: DNA sequence analysis of the BARD1 gene demonstrated a sequence change, c.668A>G, in exon 4 that results in an amino acid change, p.Glu223Gly. This sequence change has been described in the gnomAD database with frequency of 0.033% in the non-Finnish European subpopulation (dbSNP rs145009419). The p.Glu223Gly change affects a moderately conserved amino acid residue located in a domain of the BARD1 protein that is not known to be functional. The p.Glu223Gly substitution appears to be benign using several in-silico pathogenicity prediction tools (SIFT, PolyPhen2, Align GVGD, REVEL). This sequence change has been reported in individuals who underwent germline genetic testing based on a personal history of breast cancer or a Lynch syndrome-associated cancer (PMID: 26976419, 25980754). Due to insufficient evidences and the lack of functional studies, the clinical significance of the p.Glu223Gly change remains unknown at this time.

Sema4
Classification: Likely benign for Hereditary cancer-predisposing syndrome. Last evaluated: 2020-10-18. Review status: criteria provided, single submitter. Criteria: Sema4 Curation Guidelines. Collection method: curation. Allele origin: germline.

Quest Diagnostics Nichols Institute San Juan Capistrano
Classification: Likely benign. Last evaluated: 2020-08-14. Review status: criteria provided, single submitter. Criteria: Quest Diagnostics criteria. Collection method: clinical testing. Allele origin: unknown.

Ambry Genetics
Classification: Likely benign for Hereditary cancer-predisposing syndrome. Last evaluated: 2020-05-27. Review status: criteria provided, single submitter. Criteria: Ambry Variant Classification Scheme 2023. Collection method: clinical testing. Allele origin: germline.

Mendelics
Classification: Uncertain significance for Familial cancer of breast. Last evaluated: 2018-07-02. Review status: criteria provided, single submitter. Criteria: Mendelics Assertion Criteria 2017. Collection method: clinical testing. Allele origin: unknown.

Fulgent Genetics
Classification: Uncertain significance for Familial cancer of breast. Last evaluated: 2017-05-23. Review status: criteria provided, single submitter. Criteria: ACMG Guidelines, 2015. Collection method: clinical testing. Allele origin: unknown.

Counsyl
Classification: Uncertain significance for Familial cancer of breast. Last evaluated: 2017-11-07. Review status: no assertion criteria provided. Collection method: clinical testing. Allele origin: unknown. Not counted in ClinVar's aggregate classification.

Department of Pathology and Laboratory Medicine, Sinai Health System
Classification: Uncertain significance for Malignant tumor of breast. Review status: no assertion criteria provided. Collection method: clinical testing. Allele origin: unknown. Affected: yes. Study: The Canadian Open Genetics Repository (COGR). Not counted in ClinVar's aggregate classification.
Comment: The BARD1 p.Glu223Gly variant was identified in 2 of 3496 proband chromosomes (frequency 0.00057) from American individuals with Lynch syndrome-associated cancer and/or polyps and breast cancer (Yurgelun_2015_25980754, Tung_2016_26976419). The variant was also identified in dbSNP (ID: rs145009419) as â€šÃ„ÃºWith Uncertain significance alleleâ€šÃ„Ã¹, ClinVar and Clinvitae (4x classified as uncertain significance by GeneDx, Ambry Genetics, Invitae, and Fulgent Genetics), and the Zhejiang Colon Cancer Database (1 entry, pathogenicity unknown). The variant was not identified in the COSMIC or MutDB databases. The variant was identified in control databases in 41 of 255258 chromosomes at a frequency of 0.00016 increasing the likelihood this could be a low frequency variant in certain populations (Genome Aggregation Database Feb 27, 2017). It was observed in the following populations: African in 1 of 23436 chromosomes (freq: 0.000043), European Non-Finnish in 38 of 120160 chromosomes (freq: 0.00032), European Finnish in 2 of 25186 chromosomes (freq: 0.00008); it was not observed in the â€šÃ„ÃºOtherâ€šÃ„Ã¹, Latino, Ashkenazi Jewish, East Asian, and South Asian populations. The p.Glu223Gly residue is conserved in mammals but not in more distantly related organisms, however, four out of five computational analyses (PolyPhen-2, SIFT, AlignGVGD, BLOSUM, MutationTaster) do not suggest a high likelihood of impact to the protein, but this information is not predictive enough to rule out pathogenicity. The variant occurs outside of the splicing consensus sequence and 1 of 5 in silico or computational prediction software programs (SpliceSiteFinder, MaxEntScan, NNSPLICE, GeneSplicer, HumanSpliceFinder) predict a greater than 10% difference in splicing; this is not very predictive of pathogenicity. In summary, based on the above information the clinical significance of this variant cannot be determined with certainty at this time. This variant is classified as a variant of uncertain significance.

Literature cited by the submitters: PubMed 25186627 (cited by 4 submitters); PubMed 25980754 (cited by 5 submitters); PubMed 26976419 (cited by 6 submitters); PubMed 30925164 (cited by 6 submitters); PubMed 23056176 (cited by Women's Health and Genetics/Laboratory Corporation of America, LabCorp); PubMed 26898890 (cited by 3 submitters); PubMed 27443514 (cited by 4 submitters); PubMed 33471991 (cited by Women's Health and Genetics/Laboratory Corporation of America, LabCorp); PubMed 25085752 (cited by Myriad Genetics, Inc.); PubMed 28873162 (cited by Sema4).